The following is an entry in ClinVar:

NM_205836.3(FBXO38):c.1357C>T (p.Pro453Ser)

Gene: FBXO38 (F-box protein 38; plus strand). Cytogenetic location: 5q32.
Variant type: single nucleotide variant.
Coding change: c.1357C>T on transcript NM_205836.3 (MANE Select); coding-DNA position 1357, C replaced by T.
Protein change: p.Pro453Ser; replaces proline 453 with serine.
Molecular consequence: missense variant.
Genome position (GRCh38, 1-based): chr5:148,416,020, C>T. VCF-style: chr5-148416020-C-T. GRCh37 (hg19) VCF-style: chr5-147795583-C-T.
Other names: c.1357C>T, p.Pro453Ser (NM_001271723.2, NM_030793.5); short protein forms P453S.
Identifiers: ClinVar variation 2959633 (VCV002959633.3), dbSNP rs2531762650, ClinGen allele CA361659257.

ClinVar aggregate classification (germline): Uncertain significance (1 of 4 stars; one submission).

Conditions:
Distal hereditary motor neuropathy type 2. Identifiers: Orphanet 139525, MedGen C3711384, MeSH C580044, MONDO:0015352.

Allele frequency attached by ClinVar (database versions not stated): gnomAD exomes below 0.00001.
gnomAD v4.1: 1 of 1,612,890 alleles (0.000062%); highest among the groups gnomAD compares: Non-Finnish European, 0.000085%; no homozygotes.

Submission:

Labcorp Genetics (formerly Invitae), Labcorp
Classification: Uncertain significance for Distal hereditary motor neuropathy type 2. Last evaluated: 2023-09-08. Review status: criteria provided, single submitter. Criteria: Invitae Variant Classification Sherloc (09022015). Collection method: clinical testing. Allele origin: germline.
Comment: In summary, the available evidence is currently insufficient to determine the role of this variant in disease. Therefore, it has been classified as a Variant of Uncertain Significance. Advanced modeling of protein sequence and biophysical properties (such as structural, functional, and spatial information, amino acid conservation, physicochemical variation, residue mobility, and thermodynamic stability) performed at Invitae indicates that this missense variant is expected to disrupt FBXO38 protein function. This variant has not been reported in the literature in individuals affected with FBXO38-related conditions. This variant is not present in population databases (gnomAD no frequency). This sequence change replaces proline, which is neutral and non-polar, with serine, which is neutral and polar, at codon 453 of the FBXO38 protein (p.Pro453Ser).